The following is an entry in ClinVar:

ClinVar aggregate classification (germline): Conflicting classifications of pathogenicity. Review status: criteria provided, conflicting classifications (1 of 4 stars). 2 submissions from 2 submitters: Uncertain significance (1); Likely benign (1). Last evaluated 2024-12-30.

Conditions:
RASopathy. Also called: Noonan spectrum disorder; rasopathies. Identifiers: Orphanet 536391, MedGen C5555857, MONDO:0021060.

gnomAD v4.1: 1 of 1,613,672 alleles (0.000062%); no homozygotes.

Submissions (2):

Labcorp Genetics (formerly Invitae), Labcorp
Classification: Uncertain significance for RASopathy. Last evaluated: 2024-12-30. Review status: criteria provided, single submitter. Criteria: Invitae Variant Classification Sherloc (09022015). Collection method: clinical testing. Allele origin: germline.
Comment: This sequence change replaces threonine, which is neutral and polar, with alanine, which is neutral and non-polar, at codon 122 of the NRAS protein (p.Thr122Ala). This variant is present in population databases (no rsID available, gnomAD 0.004%). This variant has not been reported in the literature in individuals affected with NRAS-related conditions. Invitae Evidence Modeling of protein sequence and biophysical properties (such as structural, functional, and spatial information, amino acid conservation, physicochemical variation, residue mobility, and thermodynamic stability) indicates that this missense variant is not expected to disrupt NRAS protein function with a negative predictive value of 95%. In summary, the available evidence is currently insufficient to determine the role of this variant in disease. Therefore, it has been classified as a Variant of Uncertain Significance.

Blueprint Genetics
Classification: Likely benign. Last evaluated: 2021-03-09. Review status: criteria provided, single submitter. Criteria: ACMG Guidelines, 2015. Collection method: clinical testing. Allele origin: germline.

NM_002524.5(NRAS):c.364A>G (p.Thr122Ala)

Gene: NRAS (NRAS proto-oncogene, GTPase; minus strand). Cytogenetic location: 1p13.2.
Variant type: single nucleotide variant.
Coding change: c.364A>G on transcript NM_002524.5 (MANE Select); coding-DNA position 364, A replaced by G.
Protein change: p.Thr122Ala; replaces threonine 122 with alanine.
Molecular consequence: missense variant.
Genome position (GRCh38, 1-based): chr1:114,709,655, T>C on the plus strand (A>G on the coding strand, the complement: NRAS is on the minus strand). VCF-style: chr1-114709655-T-C. GRCh37 (hg19) VCF-style: chr1-115252276-T-C.
Other names: short protein forms T122A.
Identifiers: ClinVar variation 3673042 (VCV003673042.3).
Genomic context (GRCh38, chr1:114,709,655, plus strand): 5'-TGAATGGAATCCCGTAACTCTTGGCCAGTTCGTGGGCTTGTTTTGTATCAACTGTCCTTG[T>C]TGGCAAATCACACTTGTTTCCCACTAGCACCATAGGTACATCATCCGAGTCTTTTACTCG-3'
Protein context (NP_002515.1, residues 112-132): VLVGNKCDLP[Thr122Ala]RTVDTKQAHE